The following is an entry in ClinVar:

NM_004655.4(AXIN2):c.137C>T (p.Thr46Ile)

Gene: AXIN2 (axin 2; minus strand). Cytogenetic location: 17q24.1.
Variant type: single nucleotide variant.
Coding change: c.137C>T on transcript NM_004655.4 (MANE Select); coding-DNA position 137, C replaced by T.
Protein change: p.Thr46Ile; replaces threonine 46 with isoleucine.
Molecular consequence: missense variant.
Genome position (GRCh38, 1-based): chr17:65,558,484, G>A on the plus strand (C>T on the coding strand, the complement: AXIN2 is on the minus strand). VCF-style: chr17-65558484-G-A. GRCh37 (hg19) VCF-style: chr17-63554602-G-A.
Other names: c.137C>T, p.Thr46Ile (NM_001363813.1); short protein forms T46I.
Identifiers: ClinVar variation 3470790 (VCV003470790.3).

ClinVar aggregate classification (germline): Uncertain significance. Review status: criteria provided, multiple submitters, no conflicts (2 of 4 stars). 2 submissions from 2 submitters: Uncertain significance (2). Last evaluated 2024-11-03.

Conditions:
Oligodontia-cancer predisposition syndrome. Also called: TOOTH AGENESIS-COLORECTAL CANCER SYNDROME. Identifiers: Orphanet 300576, MedGen C1837750, MONDO:0012075, OMIM 608615. Disease mechanism: loss of function.
Hereditary cancer-predisposing syndrome. Also called: Tumor predisposition; Neoplastic Syndromes, Hereditary; Hereditary neoplastic syndrome; Hereditary Cancer Syndrome. Identifiers: Orphanet 140162, MedGen C0027672, MeSH D009386, MONDO:0015356.

gnomAD v4.1: 1 of 1,609,330 alleles (0.000062%); highest among the groups gnomAD compares: Non-Finnish European, 0.000085%; no homozygotes.

Submissions (2):

Ambry Genetics
Classification: Uncertain significance for Hereditary cancer-predisposing syndrome. Last evaluated: 2024-11-03. Review status: criteria provided, single submitter. Criteria: Ambry Variant Classification Scheme 2023. Collection method: clinical testing. Allele origin: germline.
Comment: The p.T46I variant (also known as c.137C>T), located in coding exon 1 of the AXIN2 gene, results from a C to T substitution at nucleotide position 137. The threonine at codon 46 is replaced by isoleucine, an amino acid with similar properties. This amino acid position is conserved. In addition, this alteration is predicted to be tolerated by in silico analysis. Based on the available evidence, the clinical significance of this variant remains unclear.

Labcorp Genetics (formerly Invitae), Labcorp
Classification: Uncertain significance for Oligodontia-cancer predisposition syndrome. Last evaluated: 2024-10-06. Review status: criteria provided, single submitter. Criteria: Invitae Variant Classification Sherloc (09022015). Collection method: clinical testing. Allele origin: germline.
Comment: This sequence change replaces threonine, which is neutral and polar, with isoleucine, which is neutral and non-polar, at codon 46 of the AXIN2 protein (p.Thr46Ile). This variant is not present in population databases (gnomAD no frequency). This variant has not been reported in the literature in individuals affected with AXIN2-related conditions. Invitae Evidence Modeling of protein sequence and biophysical properties (such as structural, functional, and spatial information, amino acid conservation, physicochemical variation, residue mobility, and thermodynamic stability) indicates that this missense variant is not expected to disrupt AXIN2 protein function with a negative predictive value of 80%. In summary, the available evidence is currently insufficient to determine the role of this variant in disease. Therefore, it has been classified as a Variant of Uncertain Significance.